The following is an entry in ClinVar:

ClinVar aggregate classification (germline): Benign. Review status: criteria provided, multiple submitters, no conflicts (2 of 4 stars). 2 submissions from 2 submitters: Benign (2). Last evaluated 2026-01-21.

Allele frequency attached by ClinVar (database versions not stated): 1000 Genomes Project 0.15276; 1000 Genomes Project 30x 0.15568; TOPMed 0.24069; gnomAD 0.25692; ExAC 0.27506; ESP Exome Variant Server 0.27641.
gnomAD v4.1: 520,213 of 1,610,476 alleles (32%); highest among the groups gnomAD compares: Non-Finnish European, 36%; 91,718 homozygotes.

Submissions (2):

Women's Health and Genetics/Laboratory Corporation of America, LabCorp
Classification: Benign. Last evaluated: 2026-01-21. Review status: criteria provided, single submitter. Criteria: LabCorp Variant Classification Summary - May 2015. Collection method: clinical testing. Allele origin: germline.

Unidad de Genómica Garrahan, Hospital de Pediatría Garrahan
Classification: Benign. Last evaluated: 2024-01-24. Review status: criteria provided, single submitter. Criteria: ACMG Guidelines, 2015. Collection method: clinical testing. Allele origin: germline. Affected: no. Observed: 46 variant alleles.
Comment: This variant is classified as Benign based on local population frequency. This variant was detected in 48% of patients studied by a panel of primary immunodeficiencies. Number of patients: 46. Only high quality variants are reported.

NM_001387220.1(IKZF2):c.63G>A (p.Glu21=)

Gene: IKZF2 (IKAROS family zinc finger 2; minus strand). Cytogenetic location: 2q34.
Variant type: single nucleotide variant.
Coding change: c.63G>A on transcript NM_001387220.1 (MANE Select); coding-DNA position 63, G replaced by A.
Protein change: p.Glu21=; no amino-acid change (glutamic acid 21 retained).
Molecular consequence: synonymous variant.
Genome position (GRCh38, 1-based): chr2:213,147,784, C>T on the plus strand (G>A on the coding strand, the complement: IKZF2 is on the minus strand). VCF-style: chr2-213147784-C-T. GRCh37 (hg19) VCF-style: chr2-214012508-C-T.
Other names: c.63G>A, p.Glu21= (NM_001079526.2, NM_001371274.1, NM_001371275.1 and 3 more transcripts).
Identifiers: ClinVar variation 2688130 (VCV002688130.3), dbSNP rs6709554, ClinGen allele CA2089013.